The following is an entry in ClinVar:

NM_016169.4(SUFU):c.1199T>C (p.Ile400Thr)

Gene: SUFU (SUFU negative regulator of hedgehog signaling; plus strand). Cytogenetic location: 10q24.32.
Variant type: single nucleotide variant.
Coding change: c.1199T>C on transcript NM_016169.4 (MANE Select); coding-DNA position 1199, T replaced by C.
Protein change: p.Ile400Thr; replaces isoleucine 400 with threonine.
Molecular consequence: missense variant.
Genome position (GRCh38, 1-based): chr10:102,617,331, T>C. VCF-style: chr10-102617331-T-C. GRCh37 (hg19) VCF-style: chr10-104377088-T-C.
Other names: c.1199T>C, p.Ile400Thr (NM_001178133.2); short protein forms I400T.
Identifiers: ClinVar variation 3757390 (VCV003757390.2).
Genomic context (GRCh38, chr10:102,617,331, plus strand): 5'-TCCATGTTCCCATCTCCAGGGGCAGGCTCCTGCATGGACGGCACTTTACATATAAAAGTA[T>C]CACAGGTGACATGGCCATCACGTTTGTCTCCACGGGAGTGGAAGGCGCCTTTGCCACTGA-3'
Protein context (NP_057253.2, residues 390-410): LHGRHFTYKS[Ile400Thr]TGDMAITFVS

ClinVar aggregate classification (germline): Uncertain significance (1 of 4 stars; one submission).

Conditions:
Gorlin syndrome. Also called: Nevoid Basal Cell Carcinoma Syndrome; Basal cell nevus syndrome. Identifiers: Orphanet 377, MedGen C0004779, MONDO:0007187.
Medulloblastoma (MDB). Also called: Medulloblastoma, somatic; MEDULLOBLASTOMA PREDISPOSITION SYNDROME. Identifiers: Orphanet 616, MedGen C0025149, MeSH D008527, MONDO:0007959, OMIM 155255, HP:0002885.

Submission:

Labcorp Genetics (formerly Invitae), Labcorp
Classification: Uncertain significance for Gorlin syndrome; Medulloblastoma. Last evaluated: 2024-07-24. Review status: criteria provided, single submitter. Criteria: Invitae Variant Classification Sherloc (09022015). Collection method: clinical testing. Allele origin: germline.
Comment: This sequence change replaces isoleucine, which is neutral and non-polar, with threonine, which is neutral and polar, at codon 400 of the SUFU protein (p.Ile400Thr). This variant is not present in population databases (gnomAD no frequency). This variant has not been reported in the literature in individuals affected with SUFU-related conditions. Advanced modeling of protein sequence and biophysical properties (such as structural, functional, and spatial information, amino acid conservation, physicochemical variation, residue mobility, and thermodynamic stability) performed at Invitae indicates that this missense variant is not expected to disrupt SUFU protein function with a negative predictive value of 80%. In summary, the available evidence is currently insufficient to determine the role of this variant in disease. Therefore, it has been classified as a Variant of Uncertain Significance.